The following is an entry in ClinVar:

ClinVar aggregate classification (germline): Uncertain significance (1 of 4 stars; one submission).

Conditions:
Severe combined immunodeficiency due to LCK deficiency. Also called: Immunodeficiency 22. Identifiers: Orphanet 280142, MedGen C4014233, MONDO:0014334, OMIM 615758.

Allele frequency attached by ClinVar (database versions not stated): gnomAD exomes below 0.00001.
gnomAD v4.1: 1 of 1,614,080 alleles (0.000062%); highest among the groups gnomAD compares: Non-Finnish European, 0.000085%; no homozygotes.

Submission:

Labcorp Genetics (formerly Invitae), Labcorp
Classification: Uncertain significance for Severe combined immunodeficiency due to LCK deficiency. Last evaluated: 2023-08-10. Review status: criteria provided, single submitter. Criteria: Invitae Variant Classification Sherloc (09022015). Collection method: clinical testing. Allele origin: germline.
Comment: This variant is not present in population databases (gnomAD no frequency). This sequence change replaces arginine, which is basic and polar, with histidine, which is basic and polar, at codon 438 of the LCK protein (p.Arg438His). This variant has not been reported in the literature in individuals affected with LCK-related conditions. ClinVar contains an entry for this variant (Variation ID: 2068453). An algorithm developed to predict the effect of missense changes on protein structure and function (PolyPhen-2) suggests that this variant is likely to be disruptive. In summary, the available evidence is currently insufficient to determine the role of this variant in disease. Therefore, it has been classified as a Variant of Uncertain Significance.

NM_005356.5(LCK):c.1313G>A (p.Arg438His)

Gene: LCK (LCK proto-oncogene, Src family tyrosine kinase; plus strand). Cytogenetic location: 1p35.2.
Variant type: single nucleotide variant.
Coding change: c.1313G>A on transcript NM_005356.5 (MANE Select); coding-DNA position 1313, G replaced by A.
Protein change: p.Arg438His; replaces arginine 438 with histidine.
Molecular consequence: missense variant.
Genome position (GRCh38, 1-based): chr1:32,280,196, G>A. VCF-style: chr1-32280196-G-A. GRCh37 (hg19) VCF-style: chr1-32745797-G-A.
Other names: c.1313G>A, p.Arg438His (NM_001042771.3); c.1160G>A, p.Arg387His (NM_001330468.2); short protein forms R387H, R438H.
Identifiers: ClinVar variation 2068453 (VCV002068453.4), dbSNP rs1268526933, ClinGen allele CA339643027.
Genomic context (GRCh38, chr1:32,280,196, plus strand): 5'-CCATCAAGTCAGATGTGTGGTCTTTTGGGATCCTGCTGACGGAAATTGTCACCCACGGCC[G>A]CATCCCTTACCCAGGTTAGAGCCAAGGGCAGGAACTGAAAGGGTGATGGGAAGGGCAAGT-3'
Protein context (NP_005347.3, residues 428-448): ILLTEIVTHG[Arg438His]IPYPGMTNPE